The following is an entry in ClinVar:

NM_030948.6(PHACTR1):c.664_664+3dup

Gene: PHACTR1 (phosphatase and actin regulator 1; plus strand). Cytogenetic location: 6p24.1.
Variant type: Duplication.
Coding change: c.664_664+3dup on transcript NM_030948.6 (MANE Select); coding-DNA position 664 through 3 bases into the intron after coding-DNA position 664, 4 bases duplicated (GGTA; older notation c.664_664+3dupGGTA).
Molecular consequence: splice donor variant.
Genome position (GRCh38, 1-based): chr6:13,182,686-13,182,689, GGTA duplicated; duplicating any 4 consecutive bases within chr6:13,182,685-13,182,689 gives the same sequence; the c. name uses the placement nearest the transcript's 3' end. VCF-style (leftmost placement, unchanged base first): chr6-13182684-C-CAGGT. GRCh37 (hg19) VCF-style: chr6-13182916-C-CAGGT.
Other names: c.664_664+3dup (NM_001242648.4, NM_001374581.2, NM_001322308.3 and 3 more transcripts); c.388_388+3dup (NM_001322313.2, NM_001322312.3, NM_001322311.2 and 1 more transcripts); c.667_667+3dup (NM_001322314.4).
Identifiers: ClinVar variation 5017645 (VCV005017645.1).
Genomic context (GRCh38, chr6:13,182,684, plus strand): 5'-CAATGCCCAGGGATCCCTGCTCATATGAGGTGCTCCAACCGTCAGACATCATGGATGGGC[C>CAGGT]AGGTAATGCCCCGGCAGGATTGTAGAGCAGGTCCCAGACACCAAGTCCAGCCAGGCACCA-3'

ClinVar aggregate classification (germline): Uncertain significance (1 of 4 stars; one submission).

Submission:

GeneDx
Classification: Uncertain significance. Last evaluated: 2026-04-02. Review status: criteria provided, single submitter. Criteria: GeneDx Variant Classification Process June 2021. Collection method: clinical testing. Allele origin: germline.
Comment: Not observed at significant frequency in large population cohorts (gnomAD); Has not been previously published as pathogenic or benign to our knowledge; In silico analysis suggests this variant may impact gene splicing. In the absence of RNA/functional studies, the actual effect of this sequence change is unknown.